The following is an entry in ClinVar:

NM_015331.3(NCSTN):c.467T>G (p.Phe156Cys)

Gene: NCSTN (nicastrin; plus strand). Cytogenetic location: 1q23.2.
Variant type: single nucleotide variant.
Coding change: c.467T>G on transcript NM_015331.3 (MANE Select); coding-DNA position 467, T replaced by G.
Protein change: p.Phe156Cys; replaces phenylalanine 156 with cysteine.
Molecular consequence: missense variant.
Genome position (GRCh38, 1-based): chr1:160,350,135, T>G. VCF-style: chr1-160350135-T-G. GRCh37 (hg19) VCF-style: chr1-160319925-T-G.
Other names: c.407T>G, p.Phe136Cys (NM_001290184.2); c.467T>G, p.Phe156Cys (NM_001290186.2, NM_001349729.2); short protein forms F136C, F156C.
Identifiers: ClinVar variation 2884508 (VCV002884508.3), dbSNP rs181900155, ClinGen allele CA1198733.

ClinVar aggregate classification (germline): Uncertain significance (1 of 4 stars; one submission).

Allele frequency attached by ClinVar (database versions not stated): ExAC 0.00002; gnomAD 0.00003; 1000 Genomes Project 30x 0.00047; TOPMed 0.00007; 1000 Genomes Project 0.00040.
gnomAD v4.1: 13 of 1,614,110 alleles (0.00081%); highest among the groups gnomAD compares: Admixed American, 0.017%; 1 homozygote.

Submission:

Labcorp Genetics (formerly Invitae), Labcorp
Classification: Uncertain significance. Last evaluated: 2025-09-21. Review status: criteria provided, single submitter. Criteria: Invitae Variant Classification Sherloc (09022015). Collection method: clinical testing. Allele origin: germline.
Comment: This sequence change replaces phenylalanine, which is neutral and non-polar, with cysteine, which is neutral and slightly polar, at codon 156 of the NCSTN protein (p.Phe156Cys). This variant is present in population databases (rs181900155, gnomAD 0.01%), including at least one homozygous and/or hemizygous individual. This variant has not been reported in the literature in individuals affected with NCSTN-related conditions. ClinVar contains an entry for this variant (Variation ID: 2884508). An algorithm developed to predict the effect of missense changes on protein structure and function (PolyPhen-2) suggests that this variant is likely to be disruptive. In summary, the available evidence is currently insufficient to determine the role of this variant in disease. Therefore, it has been classified as a Variant of Uncertain Significance.